The following is an entry in ClinVar:

NM_005629.4(SLC6A8):c.1692C>G (p.Phe564Leu)

Gene: SLC6A8 (solute carrier family 6 member 8; plus strand). Cytogenetic location: Xq28.
Variant type: single nucleotide variant.
Coding change: c.1692C>G on transcript NM_005629.4 (MANE Select); coding-DNA position 1692, C replaced by G.
Protein change: p.Phe564Leu; replaces phenylalanine 564 with leucine.
Molecular consequence: missense variant.
Genome position (GRCh38, 1-based): chrX:153,694,814, C>G. VCF-style: chrX-153694814-C-G. GRCh37 (hg19) VCF-style: chrX-152960269-C-G.
Other names: c.1662C>G, p.Phe554Leu (NM_001142805.2); c.1347C>G, p.Phe449Leu (NM_001142806.1); short protein forms F564L, F554L, F449L.
Identifiers: ClinVar variation 507936 (VCV000507936.40), dbSNP rs201044530, ClinGen allele CA10549620.

ClinVar aggregate classification (germline): Benign/Likely benign. Review status: criteria provided, multiple submitters, no conflicts (2 of 4 stars). 5 submissions from 5 submitters: Benign (1); Likely benign (3). 1 of the submissions does not count toward it. Last evaluated 2026-05-01.

Conditions:
Creatine transporter deficiency (CCDS1). Also called: CEREBRAL CREATINE DEFICIENCY SYNDROME 1; Mental retardation , X-linked with seizures, short stature and midface hypoplasia; Mental retardation , X-linked, with creatine transport deficiency; X-linked creatine transporter deficiency; X-linked creatine deficiency syndrome; SLC6A8-Related Creatine Transporter Deficiency. Identifiers: Orphanet 52503, MedGen C1845862, MONDO:0010305, OMIM 300352.
SLC6A8-related disorder. Also called: SLC6A8-related condition.

Allele frequency attached by ClinVar (database versions not stated): ESP Exome Variant Server 0.00009; TOPMed 0.00015.

Submissions (5):

CeGaT Center for Human Genetics Tuebingen
Classification: Likely benign. Last evaluated: 2026-05-01. Review status: criteria provided, single submitter. Criteria: CeGaT Center For Human Genetics Tuebingen Variant Classification Criteria Version 2. Collection method: clinical testing. Allele origin: germline. Affected: yes. Observed: 3 variant alleles.
Comment: SLC6A8: BP4, BS2

Labcorp Genetics (formerly Invitae), Labcorp
Classification: Benign for Creatine transporter deficiency. Last evaluated: 2025-12-30. Review status: criteria provided, single submitter. Criteria: Invitae Variant Classification Sherloc (09022015). Collection method: clinical testing. Allele origin: germline.

Blueprint Genetics
Classification: Likely benign. Last evaluated: 2024-10-25. Review status: criteria provided, single submitter. Criteria: ACMG Guidelines, 2015. Collection method: clinical testing. Allele origin: germline.

GeneDx
Classification: Likely benign. Last evaluated: 2021-03-31. Review status: criteria provided, single submitter. Criteria: GeneDx Variant Classification Process June 2021. Collection method: clinical testing. Allele origin: germline. Affected: yes.
Comment: This variant is associated with the following publications: (PMID: 25861866)

PreventionGenetics, part of Exact Sciences
Classification: Likely benign for SLC6A8-related condition. Last evaluated: 2020-01-14. Review status: no assertion criteria provided. Collection method: clinical testing. Allele origin: germline. Not counted in ClinVar's aggregate classification.
Comment: This variant is classified as likely benign based on ACMG/AMP sequence variant interpretation guidelines (Richards et al. 2015 PMID: 25741868, with internal and published modifications).